The following is an entry in ClinVar:

NM_001271.4(CHD2):c.62+1G>A

Gene: CHD2 (chromodomain helicase DNA binding protein 2; plus strand). Cytogenetic location: 15q26.1.
Variant type: single nucleotide variant.
Coding change: c.62+1G>A on transcript NM_001271.4 (MANE Select); the canonical splice donor site of the intron after coding-DNA position 62, G replaced by A.
Molecular consequence: splice donor variant.
Genome position (GRCh38, 1-based): chr15:92,901,300, G>A. VCF-style: chr15-92901300-G-A. GRCh37 (hg19) VCF-style: chr15-93444530-G-A.
Other names: c.62+1G>A (NM_001042572.3).
Identifiers: ClinVar variation 4681815 (VCV004681815.5).

ClinVar aggregate classification (germline): Uncertain significance (1 of 4 stars; one submission).

Submission:

CeGaT Center for Human Genetics Tuebingen
Classification: Uncertain significance. Last evaluated: 2025-11-01. Review status: criteria provided, single submitter. Criteria: CeGaT Center For Human Genetics Tuebingen Variant Classification Criteria Version 2. Collection method: clinical testing. Allele origin: germline. Affected: yes. Observed: 1 variant allele.
Comment: CHD2: PM2, PVS1:Moderate